The following is an entry in ClinVar:

NM_000059.4(BRCA2):c.4572_4574delinsCC (p.His1525fs)

Gene: BRCA2 (BRCA2 DNA repair associated; plus strand). Cytogenetic location: 13q13.1.
Variant type: Indel.
Coding change: c.4572_4574delinsCC on transcript NM_000059.4 (MANE Select); coding-DNA positions 4572 to 4574, TCA replaced by CC.
Protein change: p.His1525fs; shifts the reading frame from histidine 1525.
Molecular consequence: frameshift variant. On other transcripts: non-coding transcript variant (1), intron variant (2).
Genome position (GRCh38, 1-based): chr13:32,338,927-32,338,929, TCA replaced by CC. VCF-style: chr13-32338927-TCA-CC. GRCh37 (hg19) VCF-style: chr13-32913064-TCA-CC.
Other names: c.4572_4574delinsCC, p.His1525fs (NM_001406719.1, NM_001406720.1, NM_001432077.1); c.1909+5540_1909+5542delinsCC (NM_001406721.1); c.425-5631_425-5629delinsCC (NM_001406722.1); short protein forms H1525fs.
Identifiers: ClinVar variation 3825413 (VCV003825413.1).

ClinVar aggregate classification (germline): Pathogenic (1 of 4 stars; one submission).

Conditions:
Hereditary cancer-predisposing syndrome. Also called: Hereditary neoplastic syndrome; Neoplastic Syndromes, Hereditary; Tumor predisposition; Hereditary Cancer Syndrome. Identifiers: Orphanet 140162, MedGen C0027672, MeSH D009386, MONDO:0015356.

Submission:

Ambry Genetics
Classification: Pathogenic for Hereditary cancer-predisposing syndrome. Last evaluated: 2024-12-31. Review status: criteria provided, single submitter. Criteria: Ambry Variant Classification Scheme 2023. Collection method: clinical testing. Allele origin: germline.
Comment: The c.4572_4574delTCAinsCC pathogenic mutation, located in coding exon 10 of the BRCA2 gene, results from the deletion of 3 nucleotides and insertion of two nucleotides causing a translational frameshift with a predicted alternate stop codon (p.H1525Lfs*18). This variant is considered to be rare based on population cohorts in the Genome Aggregation Database (gnomAD). This alteration is expected to result in loss of function by premature protein truncation or nonsense-mediated mRNA decay. As such, this alteration is interpreted as a disease-causing mutation.